The following is an entry in ClinVar:

ClinVar aggregate classification (germline): Uncertain significance (1 of 4 stars; one submission).

Allele frequency attached by ClinVar (database versions not stated): TOPMed below 0.00001; gnomAD 0.00001.
gnomAD v4.1: 3 of 1,597,146 alleles (0.00019%); highest among the groups gnomAD compares: Non-Finnish European, 0.00026%; no homozygotes.

Submission:

Labcorp Genetics (formerly Invitae), Labcorp
Classification: Uncertain significance. Last evaluated: 2024-10-28. Review status: criteria provided, single submitter. Criteria: Invitae Variant Classification Sherloc (09022015). Collection method: clinical testing. Allele origin: germline.
Comment: This sequence change replaces alanine, which is neutral and non-polar, with glycine, which is neutral and non-polar, at codon 1201 of the COL18A1 protein (p.Ala1201Gly). This variant is not present in population databases (gnomAD no frequency). This variant has not been reported in the literature in individuals affected with COL18A1-related conditions. ClinVar contains an entry for this variant (Variation ID: 1969511). Experimental studies and prediction algorithms are not available or were not evaluated, and the functional significance of this variant is currently unknown. In summary, the available evidence is currently insufficient to determine the role of this variant in disease. Therefore, it has been classified as a Variant of Uncertain Significance.

NM_001379500.1(COL18A1):c.3611C>G (p.Ala1204Gly)

Genes: COL18A1 (collagen type XVIII alpha 1 chain; plus strand), SLC19A1 (solute carrier family 19 member 1; minus strand). Cytogenetic location: 21q22.3.
Variant type: single nucleotide variant.
Coding change: c.3611C>G on transcript NM_001379500.1 (MANE Select); coding-DNA position 3611, C replaced by G.
Protein change: p.Ala1204Gly; replaces alanine 1204 with glycine.
Molecular consequence: missense variant.
Genome position (GRCh38, 1-based): chr21:45,510,179, C>G. VCF-style: chr21-45510179-C-G. GRCh37 (hg19) VCF-style: chr21-46930093-C-G.
Other names: c.4142C>G, p.Ala1381Gly (NM_030582.4); c.4847C>G, p.Ala1616Gly (NM_130444.3); short protein forms A1204G, A1381G, A1616G.
Identifiers: ClinVar variation 1969511 (VCV001969511.5), dbSNP rs1319860336, ClinGen allele CA410501673.